The following is an entry in ClinVar:

ClinVar aggregate classification (germline): Pathogenic. Review status: criteria provided, multiple submitters, no conflicts (2 of 4 stars). 2 submissions from 2 submitters: Pathogenic (2). Last evaluated 2011-08-12.

Submissions (2):

ISCA site 14
Classification: Pathogenic. Last evaluated: 2011-08-12. Review status: criteria provided, single submitter. Criteria: Kaminsky et al. (Genet Med. 2011). Collection method: clinical testing. Allele origin: de novo, unknown. Affected: yes. Observed: 2 variant alleles.
Comment: Copy number variation identified through the course of routine clinical cytogenomic testing in postnatal populations. Clinical assertions have been curated as described in Kaminsky et al. 2011.

ISCA site 4
Classification: Pathogenic. Last evaluated: 2011-08-12. Review status: criteria provided, single submitter. Criteria: Kaminsky et al. (Genet Med. 2011). Collection method: clinical testing. Allele origin: unknown, paternal. Affected: yes. Observed: 4 variant alleles. Clinical features observed: Developmental delay AND/OR other significant developmental or morphological phenotypes.
Comment: the same text as in the submission from ISCA site 14 above.

GRCh37/hg19 17q12(chr17:34856055-36248918)x3

Genes: AATF (apoptosis antagonizing transcription factor; plus strand), ACACA (acetyl-CoA carboxylase alpha; minus strand), C17orf78 (chromosome 17 open reading frame 78; plus strand), DDX52 (DExD-box helicase 52; minus strand), DHRS11 (dehydrogenase/reductase 11; plus strand) and 9 more. Cytogenetic location: 17q12.
Variant type: copy number gain.
Change: copy number 3 (three copies instead of two) of chr17:34,856,055-36,248,918 (1.39 Mb, GRCh37 coordinates, 1-based), cytogenetic band 17q12.
Identifiers: ClinVar variation 160937 (VCV000160937.1).